The following is an entry in ClinVar:

NM_001130987.2(DYSF):c.3010A>G (p.Ile1004Val)

Gene: DYSF (dysferlin; plus strand). Cytogenetic location: 2p13.2.
Variant type: single nucleotide variant.
Coding change: c.3010A>G on transcript NM_001130987.2 (MANE Select); coding-DNA position 3010, A replaced by G.
Protein change: p.Ile1004Val; replaces isoleucine 1004 with valine.
Molecular consequence: missense variant.
Genome position (GRCh38, 1-based): chr2:71,570,259, A>G. VCF-style: chr2-71570259-A-G. GRCh37 (hg19) VCF-style: chr2-71797389-A-G.
Other names: c.2959A>G, p.Ile987Val (NM_001130455.2, NM_001130983.2); c.2914A>G, p.Ile972Val (NM_001130976.2, NM_001130977.2); c.2956A>G, p.Ile986Val (NM_001130978.2, NM_003494.4); c.3049A>G, p.Ile1017Val (NM_001130979.2); c.3007A>G, p.Ile1003Val (NM_001130980.2, NM_001130981.2); c.3052A>G, p.Ile1018Val (NM_001130982.2); c.2917A>G, p.Ile973Val (NM_001130984.2, NM_001130986.2); c.3010A>G, p.Ile1004Val (NM_001130985.2); short protein forms I1004V, I986V, I1003V, I1017V, I972V, I1018V, I987V, I973V.
Identifiers: ClinVar variation 597961 (VCV000597961.12), dbSNP rs1559183642, ClinGen allele CA347216438.

ClinVar aggregate classification (germline): Uncertain significance. Review status: criteria provided, multiple submitters, no conflicts (2 of 4 stars). 2 submissions from 2 submitters: Uncertain significance (2). Last evaluated 2025-08-18.

Conditions:
Neuromuscular disease caused by qualitative or quantitative defects of dysferlin. Also called: Qualitative or quantitative defects of dysferlin; Dysferlinopathy. Identifiers: Orphanet 207073, MedGen C2931687, MONDO:0016145.

Submissions (2):

Labcorp Genetics (formerly Invitae), Labcorp
Classification: Uncertain significance for Neuromuscular disease caused by qualitative or quantitative defects of dysferlin. Last evaluated: 2025-08-18. Review status: criteria provided, single submitter. Criteria: Invitae Variant Classification Sherloc (09022015). Collection method: clinical testing. Allele origin: germline.
Comment: This sequence change replaces isoleucine, which is neutral and non-polar, with valine, which is neutral and non-polar, at codon 986 of the DYSF protein (p.Ile986Val). This variant is not present in population databases (gnomAD no frequency). This variant has not been reported in the literature in individuals affected with DYSF-related conditions. ClinVar contains an entry for this variant (Variation ID: 597961). Invitae Evidence Modeling of protein sequence and biophysical properties (such as structural, functional, and spatial information, amino acid conservation, physicochemical variation, residue mobility, and thermodynamic stability) indicates that this missense variant is not expected to disrupt DYSF protein function with a negative predictive value of 95%. In summary, the available evidence is currently insufficient to determine the role of this variant in disease. Therefore, it has been classified as a Variant of Uncertain Significance.

Eurofins Ntd Llc (ga)
Classification: Uncertain significance. Last evaluated: 2018-07-10. Review status: criteria provided, single submitter. Criteria: EGL ClinVar v180209 classification definitions. Collection method: clinical testing. Allele origin: germline. Observed: 1 variant allele, 1 heterozygote.